The following is an entry in ClinVar:

NM_007118.4(TRIO):c.2439G>T (p.Met813Ile)

Gene: TRIO (trio Rho guanine nucleotide exchange factor; plus strand). Cytogenetic location: 5p15.2.
Variant type: single nucleotide variant.
Coding change: c.2439G>T on transcript NM_007118.4 (MANE Select); coding-DNA position 2439, G replaced by T.
Protein change: p.Met813Ile; replaces methionine 813 with isoleucine.
Molecular consequence: missense variant. On other transcripts: non-coding transcript variant (1).
Genome position (GRCh38, 1-based): chr5:14,363,779, G>T. VCF-style: chr5-14363779-G-T. GRCh37 (hg19) VCF-style: chr5-14363888-G-T.
Other names: short protein forms M813I.
Identifiers: ClinVar variation 5000122 (VCV005000122.1).

ClinVar aggregate classification (germline): Uncertain significance (1 of 4 stars; one submission).

Conditions:
TRIO-related disorder. Also called: TRIO-related disorders; TRIO-related condition.

Submission:

PreventionGenetics, part of Exact Sciences
Classification: Uncertain significance for TRIO-related condition. Last evaluated: 2025-05-12. Review status: criteria provided, single submitter. Criteria: ACMG Guidelines, 2015. Collection method: clinical testing. Allele origin: germline.
Comment: The TRIO c.2439G>T variant is predicted to result in the amino acid substitution p.Met813Ile. To our knowledge, this variant has not been reported in the literature or in a large population database (gnomAD), indicating this variant is rare. At this time, the clinical significance of this variant is uncertain due to the absence of conclusive functional and genetic evidence.